The following is an entry in ClinVar:

ClinVar aggregate classification (germline): Benign/Likely benign. Review status: criteria provided, multiple submitters, no conflicts (2 of 4 stars). 3 submissions from 3 submitters: Benign (1); Likely benign (2). Last evaluated 2024-10-23.

Conditions:
Familial cancer of breast. Also called: Hereditary breast cancer; BREAST CANCER, FAMILIAL; hereditary breast carcinoma. Identifiers: Orphanet 227535, MedGen C0346153, MONDO:0016419, OMIM 114480. Disease mechanism: loss of function.
Hereditary cancer-predisposing syndrome. Also called: Tumor predisposition; Hereditary neoplastic syndrome; Neoplastic Syndromes, Hereditary; Hereditary Cancer Syndrome. Identifiers: Orphanet 140162, MedGen C0027672, MeSH D009386, MONDO:0015356.
Ataxia-telangiectasia syndrome (AT). Also called: Ataxia-telangiectasia, complementation group D; AT, COMPLEMENTATION GROUP C; ATAXIA-TELANGIECTASIA, COMPLEMENTATION GROUP A; ATAXIA-TELANGIECTASIA, FRESNO VARIANT; Ataxia-telangiectasia; LOUIS-BAR SYNDROME. Identifiers: Orphanet 100, MedGen C0004135, MONDO:0008840, OMIM 208900.

Submissions (3):

Labcorp Genetics (formerly Invitae), Labcorp
Classification: Likely benign for Ataxia-telangiectasia syndrome. Last evaluated: 2024-10-23. Review status: criteria provided, single submitter. Criteria: Invitae Variant Classification Sherloc (09022015). Collection method: clinical testing. Allele origin: germline.

Myriad Genetics, Inc.
Classification: Benign for Familial cancer of breast. Last evaluated: 2024-06-21. Review status: criteria provided, single submitter. Criteria: Myriad Autosomal Dominant, Autosomal Recessive and X-Linked Classification Criteria (2023). Collection method: clinical testing. Allele origin: unknown.
Comment: This variant is considered benign. This variant is a silent/synonymous amino acid change and it is not expected to impact splicing.

Ambry Genetics
Classification: Likely benign for Hereditary cancer-predisposing syndrome. Last evaluated: 2023-09-14. Review status: criteria provided, single submitter. Criteria: Ambry Variant Classification Scheme 2023. Collection method: clinical testing. Allele origin: germline.

NM_000051.4(ATM):c.8811G>T (p.Val2937=)

Genes: ATM (ATM serine/threonine kinase; plus strand), C11orf65 (chromosome 11 open reading frame 65; minus strand). Cytogenetic location: 11q22.3.
Variant type: single nucleotide variant.
Coding change: c.8811G>T on transcript NM_000051.4 (MANE Select); coding-DNA position 8811, G replaced by T.
Protein change: p.Val2937=; no amino-acid change (valine 2937 retained).
Molecular consequence: synonymous variant. On other transcripts: intron variant (2).
Genome position (GRCh38, 1-based): chr11:108,354,835, G>T. VCF-style: chr11-108354835-G-T. GRCh37 (hg19) VCF-style: chr11-108225562-G-T.
Other names: c.8811G>T, p.Val2937= (NM_001351834.2); c.640+31085C>A (NM_001330368.2); c.695-19543C>A (NM_001351110.2).
Identifiers: ClinVar variation 760083 (VCV000760083.10), dbSNP rs1591314147, ClinGen allele CA476674087.